The following is an entry in ClinVar:

NM_001206927.2(DNAH8):c.13385T>G (p.Leu4462Trp)

Gene: DNAH8 (dynein axonemal heavy chain 8; plus strand). Cytogenetic location: 6p21.2.
Variant type: single nucleotide variant.
Coding change: c.13385T>G on transcript NM_001206927.2 (MANE Select); coding-DNA position 13385, T replaced by G.
Protein change: p.Leu4462Trp; replaces leucine 4462 with tryptophan.
Molecular consequence: missense variant.
Genome position (GRCh38, 1-based): chr6:39,012,228, T>G. VCF-style: chr6-39012228-T-G. GRCh37 (hg19) VCF-style: chr6-38980004-T-G.
Other names: c.12734T>G, p.Leu4245Trp (NM_001371.4); short protein forms L4245W, L4462W.
Identifiers: ClinVar variation 4798157 (VCV004798157.1).

ClinVar aggregate classification (germline): Uncertain significance (1 of 4 stars; one submission).

Conditions:
Primary ciliary dyskinesia. Also called: Ciliary dyskinesia. Identifiers: Orphanet 244, MedGen C0008780, MONDO:0016575, HP:0012265.

gnomAD v4.1: 3 of 1,604,874 alleles (0.00019%); highest among the groups gnomAD compares: South Asian, 0.0011%; no homozygotes.

Submission:

Labcorp Genetics (formerly Invitae), Labcorp
Classification: Uncertain significance for Primary ciliary dyskinesia. Last evaluated: 2025-03-30. Review status: criteria provided, single submitter. Criteria: Invitae Variant Classification Sherloc (09022015). Collection method: clinical testing. Allele origin: germline.
Comment: This sequence change replaces leucine, which is neutral and non-polar, with tryptophan, which is neutral and slightly polar, at codon 4462 of the DNAH8 protein (p.Leu4462Trp). This variant is not present in population databases (gnomAD no frequency). This variant has not been reported in the literature in individuals affected with DNAH8-related conditions. Invitae Evidence Modeling of protein sequence and biophysical properties (such as structural, functional, and spatial information, amino acid conservation, physicochemical variation, residue mobility, and thermodynamic stability) indicates that this missense variant is not expected to disrupt DNAH8 protein function with a negative predictive value of 80%. In summary, the available evidence is currently insufficient to determine the role of this variant in disease. Therefore, it has been classified as a Variant of Uncertain Significance.